The following is an entry in ClinVar:

NM_024494.3(WNT2B):c.1126G>A (p.Val376Ile)

Genes: ST7L (suppression of tumorigenicity 7 like; minus strand), WNT2B (Wnt family member 2B; plus strand). Cytogenetic location: 1p13.2.
Variant type: single nucleotide variant.
Coding change: c.1126G>A on transcript NM_024494.3 (MANE Select); coding-DNA position 1126, G replaced by A.
Protein change: p.Val376Ile; replaces valine 376 with isoleucine.
Molecular consequence: missense variant.
Genome position (GRCh38, 1-based): chr1:112,520,459, G>A. VCF-style: chr1-112520459-G-A. GRCh37 (hg19) VCF-style: chr1-113063081-G-A.
Other names: c.850G>A, p.Val284Ile (NM_001291880.1); c.1069G>A, p.Val357Ile (NM_004185.4); short protein forms V357I, V284I, V376I.
Identifiers: ClinVar variation 2040803 (VCV002040803.1), dbSNP rs111919963, ClinGen allele CA1008437.
Genomic context (GRCh38, chr1:112,520,459, plus strand): 5'-GAGTGCAAATTCCACTGGTGCTGTGCTGTACGGTGCAAGGAATGCAGAAATACTGTGGAC[G>A]TCCATACTTGCAAAGCCCCCAAGAAGGCAGAGTGGCTGGACCAAACCTGAACACACAGAT-3'
Protein context (NP_078613.1, residues 366-386): RCKECRNTVD[Val376Ile]HTCKAPKKAE

ClinVar aggregate classification (germline): Uncertain significance (1 of 4 stars; one submission).

Allele frequency attached by ClinVar (database versions not stated): gnomAD 0.00001; gnomAD exomes 0.00001; TOPMed 0.00001; ExAC 0.00002.
gnomAD v4.1: 10 of 1,614,022 alleles (0.00062%); highest among the groups gnomAD compares: African/African-American, 0.0027%; no homozygotes.

Submission:

Labcorp Genetics (formerly Invitae), Labcorp
Classification: Uncertain significance. Last evaluated: 2022-07-09. Review status: criteria provided, single submitter. Criteria: Invitae Variant Classification Sherloc (09022015). Collection method: clinical testing. Allele origin: germline.
Comment: This sequence change replaces valine, which is neutral and non-polar, with isoleucine, which is neutral and non-polar, at codon 376 of the WNT2B protein (p.Val376Ile). This variant is present in population databases (rs111919963, gnomAD 0.004%). This variant has not been reported in the literature in individuals affected with WNT2B-related conditions. Algorithms developed to predict the effect of missense changes on protein structure and function output the following: SIFT: "Deleterious"; PolyPhen-2: "Benign"; Align-GVGD: "Class C25". The isoleucine amino acid residue is found in multiple mammalian species, which suggests that this missense change does not adversely affect protein function. In summary, the available evidence is currently insufficient to determine the role of this variant in disease. Therefore, it has been classified as a Variant of Uncertain Significance.